The following is an entry in ClinVar:

NM_172245.4(CSF2RA):c.1125+172G>T

Gene: CSF2RA (colony stimulating factor 2 receptor subunit alpha; plus strand). Cytogenetic location: Xp22.33.
Variant type: single nucleotide variant.
Coding change: c.1125+172G>T on transcript NM_172245.4 (MANE Select); 172 bases into the intron after coding-DNA position 1125, G replaced by T.
Molecular consequence: intron variant. On other transcripts: synonymous variant (2).
Genome position (GRCh38, 1-based): chrX:1,305,699, G>T. VCF-style: chrX-1305699-G-T. GRCh37 (hg19) VCF-style: chrX-1424592-G-T.
Other names: c.1197G>T, p.Gly399= (NM_001161531.2, NM_001379155.1); c.1125+172G>T (NM_001379163.1, NM_001379159.1, NM_001379162.1 and 7 more transcripts); c.*26+172G>T (NM_001379167.1, NM_001379169.1, NM_172249.4 and 2 more transcripts); c.1227+172G>T (NM_001379154.1, NM_001161530.2, NM_001379153.1); c.947-3703G>T (NM_172246.4); c.1095+172G>T (NM_001379160.1); c.936+172G>T (NM_001379166.1); c.726+172G>T (NM_001161532.2).
Identifiers: ClinVar variation 3355326 (VCV003355326.1).

ClinVar aggregate classification (germline): Likely benign (0 of 4 stars; one submission).

Conditions:
CSF2RA-related disorder. Also called: CSF2RA-related condition.

gnomAD v4.1: 10 of 1,561,346 alleles (0.00064%); highest among the groups gnomAD compares: Non-Finnish European, 0.00087%; no homozygotes.

Submission:

PreventionGenetics, part of Exact Sciences
Classification: Likely benign for CSF2RA-related condition. Last evaluated: 2024-08-15. Review status: no assertion criteria provided. Collection method: clinical testing. Allele origin: germline.
Comment: This variant is classified as likely benign based on ACMG/AMP sequence variant interpretation guidelines (Richards et al. 2015 PMID: 25741868, with internal and published modifications).